The following is an entry in ClinVar:

NM_003072.5(SMARCA4):c.1780G>A (p.Gly594Arg)

Gene: SMARCA4 (SWI/SNF related BAF chromatin remodeling complex subunit ATPase 4; plus strand). Cytogenetic location: 19p13.2.
Variant type: single nucleotide variant.
Coding change: c.1780G>A on transcript NM_003072.5 (MANE Select); coding-DNA position 1780, G replaced by A.
Protein change: p.Gly594Arg; replaces glycine 594 with arginine.
Molecular consequence: missense variant. On other transcripts: non-coding transcript variant (1).
Genome position (GRCh38, 1-based): chr19:10,996,512, G>A. VCF-style: chr19-10996512-G-A. GRCh37 (hg19) VCF-style: chr19-11107188-G-A.
Other names: c.1780G>A, p.Gly594Arg (NM_001128845.2, NM_001128846.2, NM_001128847.4 and 5 more transcripts); short protein forms G594R.
Identifiers: ClinVar variation 1305770 (VCV001305770.7), dbSNP rs2145980749, ClinGen allele CA404064786.

ClinVar aggregate classification (germline): Uncertain significance. Review status: criteria provided, multiple submitters, no conflicts (2 of 4 stars). 3 submissions from 3 submitters: Uncertain significance (3). Last evaluated 2025-12-26.

Conditions:
Hereditary cancer-predisposing syndrome. Also called: Hereditary neoplastic syndrome; Tumor predisposition; Neoplastic Syndromes, Hereditary; Hereditary Cancer Syndrome. Identifiers: Orphanet 140162, MedGen C0027672, MeSH D009386, MONDO:0015356.
Rhabdoid tumor predisposition syndrome 2 (RTPS2). Identifiers: Orphanet 231108, Orphanet 69077, MedGen C2750074, MONDO:0013224, OMIM 613325.

Submissions (3):

Ambry Genetics
Classification: Uncertain significance for Hereditary cancer-predisposing syndrome. Last evaluated: 2025-12-26. Review status: criteria provided, single submitter. Criteria: Ambry Variant Classification Scheme 2023. Collection method: clinical testing. Allele origin: germline.
Comment: The p.G594R variant (also known as c.1780G>A), located in coding exon 10 of the SMARCA4 gene, results from a G to A substitution at nucleotide position 1780. The glycine at codon 594 is replaced by arginine, an amino acid with dissimilar properties. This amino acid position is conserved. In addition, this alteration is predicted to be deleterious by in silico analysis. Based on the available evidence, the clinical significance of this variant remains unclear.

Labcorp Genetics (formerly Invitae), Labcorp
Classification: Uncertain significance for Rhabdoid tumor predisposition syndrome 2. Last evaluated: 2025-11-05. Review status: criteria provided, single submitter. Criteria: Invitae Variant Classification Sherloc (09022015). Collection method: clinical testing. Allele origin: germline.
Comment: This sequence change replaces glycine, which is neutral and non-polar, with arginine, which is basic and polar, at codon 594 of the SMARCA4 protein (p.Gly594Arg). This variant is not present in population databases (gnomAD no frequency). This variant has not been reported in the literature in individuals affected with SMARCA4-related conditions. ClinVar contains an entry for this variant (Variation ID: 1305770). Invitae Evidence Modeling of protein sequence and biophysical properties (such as structural, functional, and spatial information, amino acid conservation, physicochemical variation, residue mobility, and thermodynamic stability) has been performed for this missense variant. However, the output from this modeling did not meet the statistical confidence thresholds required to predict the impact of this variant on SMARCA4 protein function. In summary, the available evidence is currently insufficient to determine the role of this variant in disease. Therefore, it has been classified as a Variant of Uncertain Significance.

GeneDx
Classification: Uncertain significance. Last evaluated: 2019-05-09. Review status: criteria provided, single submitter. Criteria: GeneDx Variant Classification Process June 2021. Collection method: clinical testing. Allele origin: germline. Affected: yes.
Comment: Not observed in large population cohorts (Lek et al., 2016); In silico analysis, which includes protein predictors and evolutionary conservation, supports that this variant does not alter protein structure/function; Has not been previously published as pathogenic or benign to our knowledge